The following is an entry in ClinVar:

NM_022436.3(ABCG5):c.617A>G (p.Gln206Arg)

Genes: ABCG5 (ATP binding cassette subfamily G member 5; minus strand), DYNC2LI1 (dynein cytoplasmic 2 light intermediate chain 1; plus strand). Cytogenetic location: 2p21.
Variant type: single nucleotide variant.
Coding change: c.617A>G on transcript NM_022436.3 (MANE Select); coding-DNA position 617, A replaced by G.
Protein change: p.Gln206Arg; replaces glutamine 206 with arginine.
Molecular consequence: missense variant. On other transcripts: 3 prime UTR variant (2).
Genome position (GRCh38, 1-based): chr2:43,828,000, T>C on the plus strand (A>G on the coding strand, the complement: ABCG5 is on the minus strand). VCF-style: chr2-43828000-T-C. GRCh37 (hg19) VCF-style: chr2-44055139-T-C.
Other names: c.*630T>C (NM_001348912.2, NM_001348913.2); short protein forms Q206R.
Identifiers: ClinVar variation 3992542 (VCV003992542.1).

ClinVar aggregate classification (germline): Uncertain significance (1 of 4 stars; one submission).

Conditions:
Cardiovascular phenotype. Identifiers: MedGen CN230736.

Submission:

Ambry Genetics
Classification: Uncertain significance for Cardiovascular phenotype. Last evaluated: 2025-04-12. Review status: criteria provided, single submitter. Criteria: Ambry Variant Classification Scheme 2023. Collection method: clinical testing. Allele origin: germline.
Comment: The p.Q206R variant (also known as c.617A>G), located in coding exon 5 of the ABCG5 gene, results from an A to G substitution at nucleotide position 617. The glutamine at codon 206 is replaced by arginine, an amino acid with highly similar properties. This amino acid position is conserved. In addition, this alteration is predicted to be deleterious by in silico analysis. Based on the available evidence, the clinical significance of this variant remains unclear.